The following is an entry in ClinVar:

ClinVar aggregate classification (germline): Likely benign. Review status: criteria provided, multiple submitters, no conflicts (2 of 4 stars). 8 submissions from 8 submitters: Likely benign (8). Last evaluated 2026-03-18.

Conditions:
Familial thoracic aortic aneurysm and aortic dissection (TAAD). Also called: Thoracic aortic aneurysms and dissections. Identifiers: Orphanet 91387, MedGen C4707243, MONDO:0019625.
Ehlers-Danlos syndrome, type 4 (EDSVASC). Also called: Ehlers-Danlos Syndrome Type IV; Ehlers-Danlos syndrome vascular type; Ehlers Danlos syndrome, ecchymotic type; Ehlers Danlos syndrome, arterial type; Ehlers Danlos syndrome, Sack-Barabas type. Identifiers: Orphanet 286, MedGen C0268338, MONDO:0017314, OMIM 130050.

Allele frequency attached by ClinVar (database versions not stated): gnomAD exomes 0.00004 and 0.00008; TOPMed 0.00006; ExAC 0.00007; gnomAD 0.00008.

Submissions (8):

Women's Health and Genetics/Laboratory Corporation of America, LabCorp
Classification: Likely benign. Last evaluated: 2026-03-18. Review status: criteria provided, single submitter. Criteria: LabCorp Variant Classification Summary - May 2015. Collection method: clinical testing. Allele origin: germline.

Labcorp Genetics (formerly Invitae), Labcorp
Classification: Likely benign for Ehlers-Danlos syndrome, type 4. Last evaluated: 2025-12-15. Review status: criteria provided, single submitter. Criteria: Invitae Variant Classification Sherloc (09022015). Collection method: clinical testing. Allele origin: germline.

Mayo Clinic Laboratories, Mayo Clinic
Classification: Likely benign. Last evaluated: 2025-10-20. Review status: criteria provided, single submitter. Criteria: ACMG Guidelines, 2015. Collection method: clinical testing. Allele origin: germline. Observed: 2 variant alleles.
Comment: BS1, BP4, BP7

CeGaT Center for Human Genetics Tuebingen
Classification: Likely benign. Last evaluated: 2025-07-01. Review status: criteria provided, single submitter. Criteria: CeGaT Center For Human Genetics Tuebingen Variant Classification Criteria Version 2. Collection method: clinical testing. Allele origin: germline. Affected: yes. Observed: 1 variant allele.
Comment: COL3A1: BP4, BP7

All of Us Research Program, National Institutes of Health
Classification: Likely benign for Ehlers-Danlos syndrome, type 4. Last evaluated: 2023-12-01. Review status: criteria provided, single submitter. Criteria: ACMG Guidelines, 2015. Collection method: clinical testing. Allele origin: germline. Inheritance: Autosomal dominant inheritance. Observed: 17 variant alleles, 17 heterozygotes.
Comment: This study involves interpretation of variants in research participants for the purpose of population health screening. Participant phenotype was not available at the time of variant classification. Additional details can be found in publication PMID: 35346344, PMCID: PMC8962531

Ambry Genetics
Classification: Likely benign for Familial thoracic aortic aneurysm and aortic dissection. Last evaluated: 2023-02-02. Review status: criteria provided, single submitter. Criteria: Ambry Variant Classification Scheme 2023. Collection method: clinical testing. Allele origin: germline.

GeneDx
Classification: Likely benign. Last evaluated: 2020-12-16. Review status: criteria provided, single submitter. Criteria: GeneDx Variant Classification Process June 2021. Collection method: clinical testing. Allele origin: germline. Affected: yes.

Color Diagnostics, LLC DBA Color Health
Classification: Likely benign for Familial thoracic aortic aneurysm and aortic dissection. Last evaluated: 2018-10-18. Review status: criteria provided, single submitter. Criteria: ACMG Guidelines, 2015. Collection method: clinical testing. Allele origin: germline.

NM_000090.4(COL3A1):c.3630T>G (p.Gly1210=)

Gene: COL3A1 (collagen type III alpha 1 chain; plus strand). Cytogenetic location: 2q32.2.
Variant type: single nucleotide variant.
Coding change: c.3630T>G on transcript NM_000090.4 (MANE Select); coding-DNA position 3630, T replaced by G.
Protein change: p.Gly1210=; no amino-acid change (glycine 1210 retained).
Molecular consequence: synonymous variant.
Genome position (GRCh38, 1-based): chr2:189,009,028, T>G. VCF-style: chr2-189009028-T-G. GRCh37 (hg19) VCF-style: chr2-189873754-T-G.
Other names: p.Gly1210=.
Identifiers: ClinVar variation 390936 (VCV000390936.25), dbSNP rs771034601, ClinGen allele CA076215.